The following is an entry in ClinVar:

NM_053025.4(MYLK):c.1651+4A>C

Gene: MYLK (myosin light chain kinase; minus strand). Cytogenetic location: 3q21.1.
Variant type: single nucleotide variant.
Coding change: c.1651+4A>C on transcript NM_053025.4 (MANE Select); 4 bases into the intron after coding-DNA position 1651, A replaced by C.
Molecular consequence: intron variant.
Genome position (GRCh38, 1-based): chr3:123,725,940, T>G on the plus strand (A>C on the coding strand, the complement: MYLK is on the minus strand). VCF-style: chr3-123725940-T-G. GRCh37 (hg19) VCF-style: chr3-123444787-T-G.
Other names: c.1123+4A>C (NM_001321309.2); c.1444+4A>C (NM_053028.4, NM_053026.4); c.1651+4A>C (NM_053027.4).
Identifiers: ClinVar variation 3773919 (VCV003773919.1).

ClinVar aggregate classification (germline): Uncertain significance (1 of 4 stars; one submission).

Submission:

GeneDx
Classification: Uncertain significance. Last evaluated: 2024-09-24. Review status: criteria provided, single submitter. Criteria: GeneDx Variant Classification Process June 2021. Collection method: clinical testing. Allele origin: germline. Affected: yes.
Comment: Not observed at significant frequency in large population cohorts (gnomAD); In silico analysis indicates that this variant does not alter splicing; Has not been previously published as pathogenic or benign to our knowledge